The following is an entry in ClinVar:

ClinVar aggregate classification (germline): Uncertain significance (1 of 4 stars; one submission).

Allele frequency attached by ClinVar (database versions not stated): gnomAD exomes 0.00001; gnomAD 0.00002; ExAC 0.00001; 1000 Genomes Project 30x 0.00016; 1000 Genomes Project 0.00020.
gnomAD v4.1: 15 of 1,610,786 alleles (0.00093%); highest among the groups gnomAD compares: South Asian, 0.012%; no homozygotes.

Submission:

Labcorp Genetics (formerly Invitae), Labcorp
Classification: Uncertain significance. Last evaluated: 2025-08-18. Review status: criteria provided, single submitter. Criteria: Invitae Variant Classification Sherloc (09022015). Collection method: clinical testing. Allele origin: germline.
Comment: This sequence change replaces threonine, which is neutral and polar, with methionine, which is neutral and non-polar, at codon 327 of the HDAC4 protein (p.Thr327Met). This variant is present in population databases (rs534397297, gnomAD 0.01%). This variant has not been reported in the literature in individuals affected with HDAC4-related conditions. ClinVar contains an entry for this variant (Variation ID: 2902303). An algorithm developed to predict the effect of missense changes on protein structure and function (PolyPhen-2) suggests that this variant is likely to be disruptive. In summary, the available evidence is currently insufficient to determine the role of this variant in disease. Therefore, it has been classified as a Variant of Uncertain Significance.

NM_001378414.1(HDAC4):c.980C>T (p.Thr327Met)

Gene: HDAC4 (histone deacetylase 4; minus strand). Cytogenetic location: 2q37.3.
Variant type: single nucleotide variant.
Coding change: c.980C>T on transcript NM_001378414.1 (MANE Select); coding-DNA position 980, C replaced by T.
Protein change: p.Thr327Met; replaces threonine 327 with methionine.
Molecular consequence: missense variant.
Genome position (GRCh38, 1-based): chr2:239,134,642, G>A on the plus strand (C>T on the coding strand, the complement: HDAC4 is on the minus strand). VCF-style: chr2-239134642-G-A. GRCh37 (hg19) VCF-style: chr2-240056338-G-A.
Other names: c.980C>T, p.Thr327Met (NM_001378415.1, NM_001378416.1, NM_001378417.1 and 1 more transcripts); short protein forms T327M.
Identifiers: ClinVar variation 2902303 (VCV002902303.3), dbSNP rs534397297, ClinGen allele CA2199953.